The following is an entry in ClinVar:

NM_001204.7(BMPR2):c.2553del (p.Phe851fs)

Gene: BMPR2 (bone morphogenetic protein receptor type 2; plus strand). Cytogenetic location: 2q33.2.
Variant type: Deletion.
Coding change: c.2553del on transcript NM_001204.7 (MANE Select); coding-DNA position 2553, one base deleted (T; older notation c.2553delT).
Protein change: p.Phe851fs; shifts the reading frame from phenylalanine 851.
Molecular consequence: frameshift variant.
Genome position (GRCh38, 1-based): chr2:202,556,218, T deleted; the last of 3 consecutive T bases (chr2:202,556,216-202,556,218); deleting any one gives the same sequence. VCF-style (leftmost placement, unchanged base first): chr2-202556215-GT-G. GRCh37 (hg19) VCF-style: chr2-203420938-GT-G.
Other names: short protein forms F851fs.
Identifiers: ClinVar variation 4727942 (VCV004727942.1).

ClinVar aggregate classification (germline): Pathogenic (1 of 4 stars; one submission).

Conditions:
Primary pulmonary hypertension. Also called: Idiopathic pulmonary hypertension. Identifiers: MedGen C0152171.

Submission:

Labcorp Genetics (formerly Invitae), Labcorp
Classification: Pathogenic for Primary pulmonary hypertension. Last evaluated: 2025-09-27. Review status: criteria provided, single submitter. Criteria: Invitae Variant Classification Sherloc (09022015). Collection method: clinical testing. Allele origin: germline.
Comment: This sequence change creates a premature translational stop signal (p.Phe851Leufs*8) in the BMPR2 gene. It is expected to result in an absent or disrupted protein product. Loss-of-function variants in BMPR2 are known to be pathogenic (PMID: 16429395). This variant is not present in population databases (gnomAD no frequency). This variant has not been reported in the literature in individuals affected with BMPR2-related conditions. For these reasons, this variant has been classified as Pathogenic.

Literature cited by the submitters: PubMed 16429395.